The following is an entry in ClinVar:

NM_000059.4(BRCA2):c.1004A>G (p.Glu335Gly)

Gene: BRCA2 (BRCA2 DNA repair associated; plus strand). Cytogenetic location: 13q13.1.
Variant type: single nucleotide variant.
Coding change: c.1004A>G on transcript NM_000059.4 (MANE Select); coding-DNA position 1004, A replaced by G.
Protein change: p.Glu335Gly; replaces glutamic acid 335 with glycine.
Molecular consequence: missense variant.
Genome position (GRCh38, 1-based): chr13:32,332,482, A>G. VCF-style: chr13-32332482-A-G. GRCh37 (hg19) VCF-style: chr13-32906619-A-G.
Other names: short protein forms E335G.
Identifiers: ClinVar variation 629153 (VCV000629153.20), dbSNP rs1566222581, ClinGen allele CA387761068.

ClinVar aggregate classification (germline): Conflicting classifications of pathogenicity. Review status: criteria provided, conflicting classifications (1 of 4 stars). 5 submissions from 5 submitters: Uncertain significance (4); Likely benign (1). Last evaluated 2025-12-01.

Conditions:
Hereditary cancer-predisposing syndrome. Also called: Neoplastic Syndromes, Hereditary; Tumor predisposition; Hereditary neoplastic syndrome; Hereditary Cancer Syndrome. Identifiers: Orphanet 140162, MedGen C0027672, MeSH D009386, MONDO:0015356.
Hereditary breast ovarian cancer syndrome. Also called: Hereditary breast and ovarian cancer syndrome; Hereditary breast and ovarian cancer; Hereditary breast and ovarian cancer syndrome (HBOC); Breast and ovarian cancer; Hereditary breast and/or ovarian cancer syndrome; BRCA1- and BRCA2-Associated Hereditary Breast and Ovarian Cancer. Identifiers: Orphanet 145, MedGen C0677776, MeSH D061325, MONDO:0003582. Disease mechanism: loss of function.

Allele frequency attached by ClinVar (database versions not stated): gnomAD exomes below 0.00001.
gnomAD v4.1: 1 of 1,600,198 alleles (0.000062%); highest among the groups gnomAD compares: Non-Finnish European, 0.000085%; no homozygotes.

Submissions (5):

Women's Health and Genetics/Laboratory Corporation of America, LabCorp
Classification: Uncertain significance. Last evaluated: 2025-12-01. Review status: criteria provided, single submitter. Criteria: LabCorp Variant Classification Summary - May 2015. Collection method: clinical testing. Allele origin: germline.

Color Diagnostics, LLC DBA Color Health
Classification: Uncertain significance for Hereditary cancer-predisposing syndrome. Last evaluated: 2024-04-16. Review status: criteria provided, single submitter. Criteria: ACMG Guidelines, 2015. Collection method: clinical testing. Allele origin: germline.
Comment: This missense variant replaces glutamic acid with glycine at codon 335 of the BRCA2 protein. Computational prediction suggests that this variant may not impact protein structure and function. To our knowledge, functional studies have not been reported for this variant. This variant has not been reported in individuals affected with BRCA2-related disorders in the literature. This variant has not been identified in the general population by the Genome Aggregation Database (gnomAD). The available evidence is insufficient to determine the role of this variant in disease conclusively. Therefore, this variant is classified as a Variant of Uncertain Significance.

Labcorp Genetics (formerly Invitae), Labcorp
Classification: Uncertain significance for Hereditary breast ovarian cancer syndrome. Last evaluated: 2024-03-06. Review status: criteria provided, single submitter. Criteria: Invitae Variant Classification Sherloc (09022015). Collection method: clinical testing. Allele origin: germline.
Comment: This sequence change replaces glutamic acid, which is acidic and polar, with glycine, which is neutral and non-polar, at codon 335 of the BRCA2 protein (p.Glu335Gly). This variant is not present in population databases (gnomAD no frequency). This variant has not been reported in the literature in individuals affected with BRCA2-related conditions. ClinVar contains an entry for this variant (Variation ID: 629153). Advanced modeling of protein sequence and biophysical properties (such as structural, functional, and spatial information, amino acid conservation, physicochemical variation, residue mobility, and thermodynamic stability) performed at Invitae indicates that this missense variant is not expected to disrupt BRCA2 protein function with a negative predictive value of 95%. In summary, the available evidence is currently insufficient to determine the role of this variant in disease. Therefore, it has been classified as a Variant of Uncertain Significance.

Ambry Genetics
Classification: Uncertain significance for Hereditary cancer-predisposing syndrome. Last evaluated: 2024-02-13. Review status: criteria provided, single submitter. Criteria: Ambry Variant Classification Scheme 2023. Collection method: clinical testing. Allele origin: germline.
Comment: The p.E335G variant (also known as c.1004A>G), located in coding exon 9 of the BRCA2 gene, results from an A to G substitution at nucleotide position 1004. The glutamic acid at codon 335 is replaced by glycine, an amino acid with similar properties. This amino acid position is not well conserved in available vertebrate species. In addition, this alteration is predicted to be tolerated by in silico analysis. Since supporting evidence is limited at this time, the clinical significance of this alteration remains unclear.

University of Washington Department of Laboratory Medicine, University of Washington
Classification: Likely benign for Hereditary cancer-predisposing syndrome. Last evaluated: 2023-03-23. Review status: criteria provided, single submitter. Criteria: Dines et al. (Genet Med. 2020). Collection method: curation. Allele origin: germline.
Comment: Missense variant in a coldspot region where missense variants are very unlikely to be pathogenic (PMID:31911673).

BRCA2 exon 10 coldspot. Reclassification based on statistical prior probability.